The following is an entry in ClinVar:

NM_005732.4(RAD50):c.2380A>G (p.Ile794Val)

Gene: RAD50 (RAD50 double strand break repair protein; plus strand). Cytogenetic location: 5q31.1.
Variant type: single nucleotide variant.
Coding change: c.2380A>G on transcript NM_005732.4 (MANE Select); coding-DNA position 2380, A replaced by G.
Protein change: p.Ile794Val; replaces isoleucine 794 with valine.
Molecular consequence: missense variant.
Genome position (GRCh38, 1-based): chr5:132,603,472, A>G. VCF-style: chr5-132603472-A-G. GRCh37 (hg19) VCF-style: chr5-131939164-A-G.
Other names: short protein forms I794V.
Identifiers: ClinVar variation 240224 (VCV000240224.11), dbSNP rs777425696, ClinGen allele CA3405375.
Genomic context (GRCh38, chr5:132,603,472, plus strand): 5'-CTCTTGGGTACAATAATGCCTGAAGAAGAAAGTGCCAAAGTATGCCTGACAGATGTTACA[A>G]TTATGGAGAGGTTCCAGGTAAGTTTATTGTAGTTTAAGGCAGAATAAAACTTGTTCCATG-3'
Protein context (NP_005723.2, residues 784-804): SAKVCLTDVT[Ile794Val]MERFQMELKD

ClinVar aggregate classification (germline): Uncertain significance. Review status: criteria provided, multiple submitters, no conflicts (2 of 4 stars). 2 submissions from 2 submitters: Uncertain significance (2). Last evaluated 2025-03-30.

Conditions:
Hereditary cancer-predisposing syndrome. Also called: Neoplastic Syndromes, Hereditary; Hereditary neoplastic syndrome; Tumor predisposition; Hereditary Cancer Syndrome. Identifiers: Orphanet 140162, MedGen C0027672, MeSH D009386, MONDO:0015356.

Allele frequency attached by ClinVar (database versions not stated): gnomAD exomes 0.00001 and 0.00002; TOPMed 0.00001; ExAC 0.00002.
gnomAD v4.1: 9 of 1,613,856 alleles (0.00056%); highest among the groups gnomAD compares: South Asian, 0.0055%; no homozygotes.

Submissions (2):

Ambry Genetics
Classification: Uncertain significance for Hereditary cancer-predisposing syndrome. Last evaluated: 2025-03-30. Review status: criteria provided, single submitter. Criteria: Ambry Variant Classification Scheme 2023. Collection method: clinical testing. Allele origin: germline.
Comment: The p.I794V variant (also known as c.2380A>G), located in coding exon 14 of the RAD50 gene, results from an A to G substitution at nucleotide position 2380. The isoleucine at codon 794 is replaced by valine, an amino acid with highly similar properties. This amino acid position is conserved. In addition, this alteration is predicted to be tolerated by in silico analysis. Since supporting evidence is limited at this time, the clinical significance of this alteration remains unclear.

Labcorp Genetics (formerly Invitae), Labcorp
Classification: Uncertain significance for Hereditary cancer-predisposing syndrome. Last evaluated: 2024-04-10. Review status: criteria provided, single submitter. Criteria: Invitae Variant Classification Sherloc (09022015). Collection method: clinical testing. Allele origin: germline.
Comment: This sequence change replaces isoleucine, which is neutral and non-polar, with valine, which is neutral and non-polar, at codon 794 of the RAD50 protein (p.Ile794Val). This variant is present in population databases (rs777425696, gnomAD 0.02%). This variant has not been reported in the literature in individuals affected with RAD50-related conditions. ClinVar contains an entry for this variant (Variation ID: 240224). Advanced modeling of protein sequence and biophysical properties (such as structural, functional, and spatial information, amino acid conservation, physicochemical variation, residue mobility, and thermodynamic stability) performed at Invitae indicates that this missense variant is not expected to disrupt RAD50 protein function with a negative predictive value of 80%. In summary, the available evidence is currently insufficient to determine the role of this variant in disease. Therefore, it has been classified as a Variant of Uncertain Significance.